The following is an entry in ClinVar:

NM_004985.5(KRAS):c.269T>A (p.Phe90Tyr)

Gene: KRAS (KRAS proto-oncogene, GTPase; minus strand). Cytogenetic location: 12p12.1.
Variant type: single nucleotide variant.
Coding change: c.269T>A on transcript NM_004985.5 (MANE Select); coding-DNA position 269, T replaced by A.
Protein change: p.Phe90Tyr; replaces phenylalanine 90 with tyrosine.
Molecular consequence: missense variant.
Genome position (GRCh38, 1-based): chr12:25,227,255, A>T on the plus strand (T>A on the coding strand, the complement: KRAS is on the minus strand). VCF-style: chr12-25227255-A-T. GRCh37 (hg19) VCF-style: chr12-25380189-A-T.
Other names: c.269T>A, p.Phe90Tyr (NM_001369786.1, NM_001369787.1, NM_033360.4); short protein forms F90Y.
Identifiers: ClinVar variation 1965797 (VCV001965797.5), dbSNP rs2141509390, ClinGen allele CA384151758.

ClinVar aggregate classification (germline): Uncertain significance (1 of 4 stars; one submission).

Conditions:
RASopathy. Also called: Noonan spectrum disorder; rasopathies. Identifiers: Orphanet 536391, MedGen C5555857, MONDO:0021060.

Submission:

Labcorp Genetics (formerly Invitae), Labcorp
Classification: Uncertain significance for RASopathy. Last evaluated: 2023-01-11. Review status: criteria provided, single submitter. Criteria: Invitae Variant Classification Sherloc (09022015). Collection method: clinical testing. Allele origin: germline.
Comment: In summary, the available evidence is currently insufficient to determine the role of this variant in disease. Therefore, it has been classified as a Variant of Uncertain Significance. Advanced modeling of protein sequence and biophysical properties (such as structural, functional, and spatial information, amino acid conservation, physicochemical variation, residue mobility, and thermodynamic stability) performed at Invitae indicates that this missense variant is expected to disrupt KRAS protein function. This variant has not been reported in the literature in individuals affected with KRAS-related conditions. This variant is not present in population databases (gnomAD no frequency). This sequence change replaces phenylalanine, which is neutral and non-polar, with tyrosine, which is neutral and polar, at codon 90 of the KRAS protein (p.Phe90Tyr).